The following is an entry in ClinVar:

NM_014363.6(SACS):c.8717G>A (p.Arg2906Gln)

Gene: SACS (sacsin molecular chaperone; minus strand). Cytogenetic location: 13q12.12.
Variant type: single nucleotide variant.
Coding change: c.8717G>A on transcript NM_014363.6 (MANE Select); coding-DNA position 8717, G replaced by A.
Protein change: p.Arg2906Gln; replaces arginine 2906 with glutamine.
Molecular consequence: missense variant.
Genome position (GRCh38, 1-based): chr13:23,335,159, C>T on the plus strand (G>A on the coding strand, the complement: SACS is on the minus strand). VCF-style: chr13-23335159-C-T. GRCh37 (hg19) VCF-style: chr13-23909298-C-T.
Other names: p.Arg2906Gln; c.8276G>A, p.Arg2759Gln (NM_001278055.2); c.8744G>A, p.Arg2915Gln (NM_001437336.1); short protein forms R2759Q, R2915Q, R2906Q.
Identifiers: ClinVar variation 4541760 (VCV004541760.1).

ClinVar aggregate classification (germline): Uncertain significance (1 of 4 stars; one submission).

gnomAD v4.1: 4 of 1,613,910 alleles (0.00025%); highest among the groups gnomAD compares: Non-Finnish European, 0.00025%; no homozygotes.

Submission:

Mayo Clinic Laboratories, Mayo Clinic
Classification: Uncertain significance. Last evaluated: 2025-06-24. Review status: criteria provided, single submitter. Criteria: ACMG Guidelines, 2015. Collection method: clinical testing. Allele origin: germline. Observed: 1 variant allele.
Comment: PM2_supporting